The following is an entry in ClinVar:

NM_139058.3(ARX):c.306GGC[15] (p.Ala111_Ala115dup)

Genes: ARX (aristaless related homeobox; minus strand), LOC109610631 (aristaless related homeobox polyalanine expansion region; plus strand). Cytogenetic location: Xp21.3.
Variant type: Microsatellite.
Coding change: c.306GGC[15] on transcript NM_139058.3 (MANE Select); 15 copies in a row of the 3-base unit GGC starting at c.306; the reference has ten copies in a row; five copies, 15 bases duplicated.
Protein change: p.Ala111_Ala115dup.
Molecular consequence: inframe insertion.
Genome position (GRCh38, 1-based): chrX:25,013,660-25,013,674, GCCGCCGCCGCCGCC duplicated on the plus strand (GGCGGCGGCGGCGGC on the coding strand, the reverse complement: ARX is on the minus strand); duplicating any 15 consecutive bases within chrX:25,013,660-25,013,691 gives the same sequence; the position shown is the placement nearest the transcript's 3' end. VCF-style (leftmost placement, unchanged base first): chrX-25013659-T-TGCCGCCGCCGCCGCC. GRCh37 (hg19) VCF-style: chrX-25031776-T-TGCCGCCGCCGCCGCC.
Identifiers: ClinVar variation 1208549 (VCV001208549.4), dbSNP rs387906492, ClinGen allele CA2580616915.

ClinVar aggregate classification (germline): Uncertain significance. Review status: criteria provided, multiple submitters, no conflicts (2 of 4 stars). 2 submissions from 2 submitters: Uncertain significance (2). Last evaluated 2025-02-07.

Conditions:
Developmental and epileptic encephalopathy, 1 (DEE1). Also called: Epileptic encephalopathy, early infantile, 1; INFANTILE SPASM SYNDROME, X-LINKED 1; X-linked infantile spasms; West's syndrome; Tonic spasms with clustering, arrest of psychomotor development and hypsarrhythmia on EEG; X-Linked Infantile Spasm Syndrome. Identifiers: MedGen C3463992, MONDO:0010632, OMIM 308350. Disease mechanism: loss of function.
Intellectual disability, X-linked, with or without seizures, ARX-related. Also called: Mental retardation, X-linked 52; MENTAL RETARDATION, X-LINKED 29; MENTAL RETARDATION, X-LINKED 32; MENTAL RETARDATION, X-LINKED 33; MENTAL RETARDATION, X-LINKED 38; MENTAL RETARDATION, X-LINKED 43. Identifiers: Orphanet 777, MedGen C0796244, MONDO:0010317, OMIM 300419.

Submissions (2):

Labcorp Genetics (formerly Invitae), Labcorp
Classification: Uncertain significance for Developmental and epileptic encephalopathy, 1; Intellectual disability, X-linked, with or without seizures, ARX-related. Last evaluated: 2025-02-07. Review status: criteria provided, single submitter. Criteria: Invitae Variant Classification Sherloc (09022015). Collection method: clinical testing. Allele origin: germline.
Comment: This variant, c.321_335dup, results in the insertion of 5 amino acid(s) of the ARX protein (p.Ala111_Ala115dup), but otherwise preserves the integrity of the reading frame. The frequency data for this variant in the population databases is considered unreliable, as metrics indicate insufficient coverage at this position in the gnomAD database. This variant has not been reported in the literature in individuals affected with ARX-related conditions. Experimental studies and prediction algorithms are not available or were not evaluated, and the functional significance of this variant is currently unknown. In summary, the available evidence is currently insufficient to determine the role of this variant in disease. Therefore, it has been classified as a Variant of Uncertain Significance.

GeneDx
Classification: Uncertain significance. Last evaluated: 2018-08-03. Review status: criteria provided, single submitter. Criteria: GeneDx Variant Classification Process June 2021. Collection method: clinical testing. Allele origin: germline. Affected: yes.
Comment: Alanine repeat expansion in the first polyalanine tract of the ARX protein, extending the allele to 21 repeats; Polyalanine repeat expansions of 18 or fewer repeats have been observed in unaffected adult males in population databases and undergoing testing at GeneDx (Lek et al., 2015); Polyalanine repeat expansions of 21-22 repeats have not been previously reported in the literature to our knowledge (Stenson et al., 2014); Not observed in large population cohorts (Lek et al., 2016)